The following is an entry in ClinVar:

ClinVar aggregate classification (germline): Likely benign (1 of 4 stars; one submission).

Allele frequency attached by ClinVar (database versions not stated): gnomAD 0.00841 and 0.00877; 1000 Genomes Project 30x 0.00968; TOPMed 0.00971; 1000 Genomes Project 0.00998.
gnomAD v4.1: 1,270 of 152,238 alleles (0.83%); highest among the groups gnomAD compares: African/African-American, 2.8%; 15 homozygotes.

Submission:

GeneDx
Classification: Likely benign. Last evaluated: 2018-06-16. Review status: criteria provided, single submitter. Criteria: GeneDx Variant Classification (06012015). Collection method: clinical testing. Allele origin: germline. Affected: yes.
Comment: This variant is considered likely benign or benign based on one or more of the following criteria: it is a conservative change, it occurs at a poorly conserved position in the protein, it is predicted to be benign by multiple in silico algorithms, and/or has population frequency not consistent with disease.

NM_000289.6(PFKM):c.936+287C>T

Gene: PFKM (phosphofructokinase, muscle; plus strand). Cytogenetic location: 12q13.11.
Variant type: single nucleotide variant.
Coding change: c.936+287C>T on transcript NM_000289.6 (MANE Select); 287 bases into the intron after coding-DNA position 936, C replaced by T.
Molecular consequence: intron variant.
Genome position (GRCh38, 1-based): chr12:48,135,670, C>T. VCF-style: chr12-48135670-C-T. GRCh37 (hg19) VCF-style: chr12-48529453-C-T.
Other names: c.960+287C>T (NM_001354741.2); c.936+287C>T (NM_001354742.2, NM_001354743.2, NM_001354744.2 and 3 more transcripts); c.786+287C>T (NM_001354747.2, NM_001354748.2); c.1149+287C>T (NM_001166686.2, NM_001354737.1, NM_001354739.1 and 1 more transcripts); c.1245+287C>T (NM_001354736.1, NM_001354735.1); c.1080+287C>T (NM_001354740.1); c.849+287C>T (NM_001354745.2); c.843+632C>T (NM_001363619.2).
Identifiers: ClinVar variation 673428 (VCV000673428.1), dbSNP rs140029354, ClinGen allele CA236511696.